The following is an entry in ClinVar:

NM_001142800.2(EYS):c.3023G>A (p.Cys1008Tyr)

Gene: EYS (EGF-like photoreceptor maintenance factor; minus strand). Cytogenetic location: 6q12.
Variant type: single nucleotide variant.
Coding change: c.3023G>A on transcript NM_001142800.2 (MANE Select); coding-DNA position 3023, G replaced by A.
Protein change: p.Cys1008Tyr; replaces cysteine 1008 with tyrosine.
Molecular consequence: missense variant.
Genome position (GRCh38, 1-based): chr6:64,822,792, C>T on the plus strand (G>A on the coding strand, the complement: EYS is on the minus strand). VCF-style: chr6-64822792-C-T. GRCh37 (hg19) VCF-style: chr6-65532685-C-T.
Other names: c.3023G>A, p.Cys1008Tyr (NM_001292009.2); short protein forms C1008Y.
Identifiers: ClinVar variation 2145454 (VCV002145454.2), dbSNP rs928941618, ClinGen allele CA140369240.

ClinVar aggregate classification (germline): Uncertain significance. Review status: criteria provided, multiple submitters, no conflicts (2 of 4 stars). 2 submissions from 2 submitters: Uncertain significance (2). Last evaluated 2022-09-15.

Allele frequency attached by ClinVar (database versions not stated): gnomAD exomes 0.00003; gnomAD 0.00004; TOPMed 0.00004.
gnomAD v4.1: 50 of 1,549,552 alleles (0.0032%); highest among the groups gnomAD compares: African/African-American, 0.0041%; no homozygotes.

Submissions (2):

Blueprint Genetics
Classification: Uncertain significance. Last evaluated: 2022-09-15. Review status: criteria provided, single submitter. Criteria: ACMG Guidelines, 2015. Collection method: clinical testing. Allele origin: germline.

Labcorp Genetics (formerly Invitae), Labcorp
Classification: Uncertain significance. Last evaluated: 2022-02-22. Review status: criteria provided, single submitter. Criteria: Invitae Variant Classification Sherloc (09022015). Collection method: clinical testing. Allele origin: germline.
Comment: This sequence change replaces cysteine, which is neutral and slightly polar, with tyrosine, which is neutral and polar, at codon 1008 of the EYS protein (p.Cys1008Tyr). This variant is present in population databases (no rsID available, gnomAD 0.002%). This variant has not been reported in the literature in individuals affected with EYS-related conditions. Algorithms developed to predict the effect of missense changes on protein structure and function output the following: SIFT: "Deleterious"; PolyPhen-2: "Probably Damaging"; Align-GVGD: "Class C65". The tyrosine amino acid residue is found in multiple mammalian species, which suggests that this missense change does not adversely affect protein function. In summary, the available evidence is currently insufficient to determine the role of this variant in disease. Therefore, it has been classified as a Variant of Uncertain Significance.